The following is an entry in ClinVar:

NM_177924.5(ASAH1):c.401A>G (p.Asn134Ser)

Gene: ASAH1 (N-acylsphingosine amidohydrolase 1; minus strand). Cytogenetic location: 8p22.
Variant type: single nucleotide variant.
Coding change: c.401A>G on transcript NM_177924.5 (MANE Select); coding-DNA position 401, A replaced by G.
Protein change: p.Asn134Ser; replaces asparagine 134 with serine.
Molecular consequence: missense variant.
Genome position (GRCh38, 1-based): chr8:18,064,513, T>C on the plus strand (A>G on the coding strand, the complement: ASAH1 is on the minus strand). VCF-style: chr8-18064513-T-C. GRCh37 (hg19) VCF-style: chr8-17922022-T-C.
Other names: c.383A>G, p.Asn128Ser (NM_001127505.3); c.206A>G, p.Asn69Ser (NM_001363743.2); c.449A>G, p.Asn150Ser (NM_004315.6); short protein forms N134S, N69S, N128S, N150S.
Identifiers: ClinVar variation 1447882 (VCV001447882.3), dbSNP rs746760837, ClinGen allele CA4650863.
Genomic context (GRCh38, chr8:18,064,513, plus strand): 5'-TTACCTTTTTTGTCTTCTGCTACTATTGAAGTACAAATGGTAAATAATTCATAAAAAATA[T>C]TGAATGAAATAATCTCTCCTATGAGAAAAGAAAATTTTGTGTTAATATACAGAACCATGA-3'
Protein context (NP_808592.2, residues 124-144): DIPLGEIISF[Asn134Ser]IFYELFTICT

ClinVar aggregate classification (germline): Uncertain significance (1 of 4 stars; one submission).

Allele frequency attached by ClinVar (database versions not stated): gnomAD 0.00001; gnomAD exomes 0.00001 and 0.00002; TOPMed 0.00002; ExAC 0.00003.
gnomAD v4.1: 19 of 1,548,354 alleles (0.0012%); highest among the groups gnomAD compares: East Asian, 0.011%; no homozygotes.

Submission:

Labcorp Genetics (formerly Invitae), Labcorp
Classification: Uncertain significance. Last evaluated: 2022-06-27. Review status: criteria provided, single submitter. Criteria: Invitae Variant Classification Sherloc (09022015). Collection method: clinical testing. Allele origin: germline.
Comment: This sequence change replaces asparagine, which is neutral and polar, with serine, which is neutral and polar, at codon 134 of the ASAH1 protein (p.Asn134Ser). This variant is present in population databases (rs746760837, gnomAD 0.01%). This variant has not been reported in the literature in individuals affected with ASAH1-related conditions. Algorithms developed to predict the effect of missense changes on protein structure and function (SIFT, PolyPhen-2, Align-GVGD) all suggest that this variant is likely to be disruptive. In summary, the available evidence is currently insufficient to determine the role of this variant in disease. Therefore, it has been classified as a Variant of Uncertain Significance.